The following is an entry in ClinVar:

ClinVar aggregate classification (germline): Pathogenic (1 of 4 stars; one submission).

Conditions:
Spongy degeneration of central nervous system. Also called: ACY2 DEFICIENCY; AMINOACYLASE 2 DEFICIENCY; ASP DEFICIENCY; ASPA DEFICIENCY; ASPARTOACYLASE DEFICIENCY; CANAVAN-VAN BOGAERT-BERTRAND DISEASE. Identifiers: Orphanet 141, MedGen C0206307, MONDO:0010079, OMIM 271900.

Submission:

3billion
Classification: Pathogenic for Spongy degeneration of central nervous system. Last evaluated: 2025-09-05. Review status: criteria provided, single submitter. Criteria: ACMG Guidelines, 2015. Collection method: clinical testing. Allele origin: germline. Affected: yes.
Comment: The variant is observed at an extremely low frequency in the gnomAD v4.1.0 dataset (total allele frequency: 0.001%). Predicted Consequence/Location: Canonical splice site: predicted to alter splicing and result in a loss or disruption of normal protein function. Multiple pathogenic loss-of-function variants are reported downstream of the variant. In silico tools predict the variant to alter splicing and produce an abnormal transcript [SpliceAI: 0.70 (spliceogenicity >=0.2, non-spliceogenicity <0.1)]. Therefore, this variant is classified as Pathogenic according to the recommendation of ACMG/AMP guideline.

NM_000049.4(ASPA):c.634+5_634+8del

Genes: ASPA (aspartoacylase; plus strand), SPATA22 (spermatogenesis associated 22; minus strand). Cytogenetic location: 17p13.2.
Variant type: Microsatellite.
Coding change: c.634+5_634+8del on transcript NM_000049.4 (MANE Select); bases 5 to 8 of the intron after coding-DNA position 634, 4 bases deleted (GTAA; older notation c.634+5_634+8delGTAA).
Molecular consequence: splice donor variant. On other transcripts: intron variant (2).
Genome position (GRCh38, 1-based): chr17:3,489,347-3,489,350, GTAA deleted; deleting any 4 consecutive bases within chr17:3,489,343-3,489,350 gives the same sequence; the c. name uses the placement nearest the transcript's 3' end. VCF-style (leftmost placement, unchanged base first): chr17-3489342-GGTAA-G. GRCh37 (hg19) VCF-style: chr17-3392636-GGTAA-G.
Other names: c.-73-19948_-73-19945del (NM_001321336.2, NM_001321337.2); c.634+5_634+8del (NM_001128085.1).
Identifiers: ClinVar variation 4854098 (VCV004854098.1).